The following is an entry in ClinVar:

ClinVar aggregate classification (germline): Uncertain significance (1 of 4 stars; one submission).

Conditions:
Bardet-Biedl syndrome (BBS). Identifiers: Orphanet 110, MedGen C0752166, MONDO:0015229.

Submission:

Labcorp Genetics (formerly Invitae), Labcorp
Classification: Uncertain significance for Bardet-Biedl syndrome. Last evaluated: 2019-11-27. Review status: criteria provided, single submitter. Criteria: Invitae Variant Classification Sherloc (09022015). Collection method: clinical testing. Allele origin: germline.
Comment: This variant is not present in population databases (ExAC no frequency). This sequence change replaces isoleucine with serine at codon 83 of the BBS4 protein (p.Ile83Ser). The isoleucine residue is highly conserved and there is a large physicochemical difference between isoleucine and serine. This variant has not been reported in the literature in individuals with BBS4-related conditions. In summary, the available evidence is currently insufficient to determine the role of this variant in disease. Therefore, it has been classified as a Variant of Uncertain Significance. Algorithms developed to predict the effect of missense changes on protein structure and function are either unavailable or do not agree on the potential impact of this missense change (SIFT: "Deleterious"; PolyPhen-2: "Possibly Damaging"; Align-GVGD: "Class C15").

NM_033028.5(BBS4):c.248T>G (p.Ile83Ser)

Gene: BBS4 (Bardet-Biedl syndrome 4; plus strand). Cytogenetic location: 15q24.1.
Variant type: single nucleotide variant.
Coding change: c.248T>G on transcript NM_033028.5 (MANE Select); coding-DNA position 248, T replaced by G.
Protein change: p.Ile83Ser; replaces isoleucine 83 with serine.
Molecular consequence: missense variant. On other transcripts: 5 prime UTR variant (1), non-coding transcript variant (2).
Genome position (GRCh38, 1-based): chr15:72,715,318, T>G. VCF-style: chr15-72715318-T-G. GRCh37 (hg19) VCF-style: chr15-73007659-T-G.
Other names: c.-274T>G (NM_001252678.2); c.248T>G, p.Ile83Ser (NM_001320665.2); short protein forms I83S.
Identifiers: ClinVar variation 851880 (VCV000851880.9), dbSNP rs1567415169, ClinGen allele CA393076694.
Genomic context (GRCh38, chr15:72,715,318, plus strand): 5'-TTACTTTTTTTTGTATTTTCTGTTTCTTGGCAGCATTGATATTTCGCCTAGAAGGAAATA[T>G]CCAAGAATCCCTAGAACTCTTCCAGACATGTGCAGTTCTTAGTCCTCAGAGTGCTGATAA-3'
Protein context (NP_149017.2, residues 73-93): QALIFRLEGN[Ile83Ser]QESLELFQTC